The following is an entry in ClinVar:

ClinVar aggregate classification (germline): Uncertain significance. Review status: criteria provided, multiple submitters, no conflicts (2 of 4 stars). 2 submissions from 2 submitters: Uncertain significance (2). Last evaluated 2023-09-19.

Conditions:
Bloom syndrome (BLM). Also called: Bloom-Torre-Machacek syndrome. Identifiers: Orphanet 125, MedGen C0005859, MONDO:0008876, OMIM 210900.

Submissions (2):

Labcorp Genetics (formerly Invitae), Labcorp
Classification: Uncertain significance for Bloom syndrome. Last evaluated: 2023-09-19. Review status: criteria provided, single submitter. Criteria: Invitae Variant Classification Sherloc (09022015). Collection method: clinical testing. Allele origin: germline.
Comment: This variant has not been reported in the literature in individuals affected with BLM-related conditions. This sequence change replaces alanine, which is neutral and non-polar, with proline, which is neutral and non-polar, at codon 915 of the BLM protein (p.Ala915Pro). This variant is not present in population databases (gnomAD no frequency). ClinVar contains an entry for this variant (Variation ID: 2576823). Advanced modeling of protein sequence and biophysical properties (such as structural, functional, and spatial information, amino acid conservation, physicochemical variation, residue mobility, and thermodynamic stability) performed at Invitae indicates that this missense variant is expected to disrupt BLM protein function. In summary, the available evidence is currently insufficient to determine the role of this variant in disease. Therefore, it has been classified as a Variant of Uncertain Significance.

GeneDx
Classification: Uncertain significance. Last evaluated: 2023-02-15. Review status: criteria provided, single submitter. Criteria: GeneDx Variant Classification Process June 2021. Collection method: clinical testing. Allele origin: germline. Affected: yes.
Comment: Not observed at significant frequency in large population cohorts (gnomAD); In silico analysis supports that this missense variant has a deleterious effect on protein structure/function; Has not been previously published as pathogenic or benign to our knowledge

NM_000057.4(BLM):c.2743G>C (p.Ala915Pro)

Gene: BLM (BLM RecQ like helicase; plus strand). Cytogenetic location: 15q26.1.
Variant type: single nucleotide variant.
Coding change: c.2743G>C on transcript NM_000057.4 (MANE Select); coding-DNA position 2743, G replaced by C.
Protein change: p.Ala915Pro; replaces alanine 915 with proline.
Molecular consequence: missense variant.
Genome position (GRCh38, 1-based): chr15:90,785,001, G>C. VCF-style: chr15-90785001-G-C. GRCh37 (hg19) VCF-style: chr15-91328231-G-C.
Other names: c.2743G>C, p.Ala915Pro (NM_001287246.2, NM_001287247.2); c.1618G>C, p.Ala540Pro (NM_001287248.2); short protein forms A540P, A915P.
Identifiers: ClinVar variation 2576823 (VCV002576823.4), dbSNP rs1896709530, ClinGen allele CA393846014.